The following is an entry in ClinVar:

ClinVar aggregate classification (germline): Uncertain significance (1 of 4 stars; one submission).

Allele frequency attached by ClinVar (database versions not stated): gnomAD exomes below 0.00001; ExAC 0.00001; gnomAD 0.00001; TOPMed 0.00001.
gnomAD v4.1: 2 of 1,613,988 alleles (0.00012%); highest among the groups gnomAD compares: African/African-American, 0.0013%; no homozygotes.

Submission:

Ambry Genetics
Classification: Uncertain significance. Last evaluated: 2024-10-18. Review status: criteria provided, single submitter. Criteria: Ambry Variant Classification Scheme 2023. Collection method: clinical testing. Allele origin: germline.
Comment: The p.P1405L variant (also known as c.4214C>T), located in coding exon 4 of the ALPK2 gene, results from a C to T substitution at nucleotide position 4214. The proline at codon 1405 is replaced by leucine, an amino acid with similar properties. This amino acid position is conserved. In addition, this alteration is predicted to be tolerated by in silico analysis. Since supporting evidence is limited at this time, the clinical significance of this alteration remains unclear.

NM_052947.4(ALPK2):c.4214C>T (p.Pro1405Leu)

Genes: ALPK2 (alpha kinase 2; minus strand), LOC126862764 (BRD4-independent group 4 enhancer GRCh37_chr18:56202574-56203773; plus strand). Cytogenetic location: 18q21.31.
Variant type: single nucleotide variant.
Coding change: c.4214C>T on transcript NM_052947.4 (MANE Select); coding-DNA position 4214, C replaced by T.
Protein change: p.Pro1405Leu; replaces proline 1405 with leucine.
Molecular consequence: missense variant.
Genome position (GRCh38, 1-based): chr18:58,535,973, G>A on the plus strand (C>T on the coding strand, the complement: ALPK2 is on the minus strand). VCF-style: chr18-58535973-G-A. GRCh37 (hg19) VCF-style: chr18-56203205-G-A.
Other names: short protein forms P1405L.
Identifiers: ClinVar variation 1738772 (VCV001738772.3), dbSNP rs758116610, ClinGen allele CA8976752.